The following is an entry in ClinVar:

NM_001035.3(RYR2):c.8927A>G (p.Lys2976Arg)

Gene: RYR2 (ryanodine receptor 2; plus strand). Cytogenetic location: 1q43.
Variant type: single nucleotide variant.
Coding change: c.8927A>G on transcript NM_001035.3 (MANE Select); coding-DNA position 8927, A replaced by G.
Protein change: p.Lys2976Arg; replaces lysine 2976 with arginine.
Molecular consequence: missense variant.
Genome position (GRCh38, 1-based): chr1:237,680,487, A>G. VCF-style: chr1-237680487-A-G. GRCh37 (hg19) VCF-style: chr1-237843787-A-G.
Other names: c.8927A>G, p.Lys2976Arg (LRG_402t1); short protein forms K2976R.
Identifiers: ClinVar variation 567378 (VCV000567378.14), dbSNP rs1558206523, ClinGen allele CA345404350.
Genomic context (GRCh38, chr1:237,680,487, plus strand): 5'-TAGATCTGTCTTCTTTTCCTTTCTTTCAGGTCGTTCTTCCTTTAATTGATCAGTATTTCA[A>G]AAACCATCGTTTATACTTCTTATCTGCAGCAAGCAGACCTCTCTGCTCTGGAGGACATGC-3'
Protein context (NP_001026.2, residues 2966-2986): VVLPLIDQYF[Lys2976Arg]NHRLYFLSAA

ClinVar aggregate classification (germline): Uncertain significance. Review status: criteria provided, multiple submitters, no conflicts (2 of 4 stars). 3 submissions from 3 submitters: Uncertain significance (3). Last evaluated 2024-02-22.

Conditions:
Catecholaminergic polymorphic ventricular tachycardia (CVPT). Also called: Catecholamine-induced polymorphic ventricular tachycardia. Identifiers: Orphanet 3286, MedGen C5574922, MONDO:0017990.
Cardiomyopathy (CMYO). Also called: Cardiomyopathies. Identifiers: Orphanet 167848, MedGen C0878544, MONDO:0004994, HP:0001638. Inheritance: Various modes of inheritance.
Catecholaminergic polymorphic ventricular tachycardia 1. Also called: RYR2-Related Catecholaminergic Polymorphic Ventricular Tachycardia; VENTRICULAR TACHYCARDIA, CATECHOLAMINERGIC POLYMORPHIC, 1, WITH OR WITHOUT ATRIAL DYSFUNCTION AND/OR DILATED CARDIOMYOPATHY; VENTRICULAR TACHYCARDIA, STRESS-INDUCED POLYMORPHIC 1. Identifiers: Orphanet 3286, MedGen C1631597, MONDO:0011484, OMIM 604772.

Allele frequency attached by ClinVar (database versions not stated): gnomAD exomes below 0.00001.
gnomAD v4.1: 3 of 1,607,852 alleles (0.00019%); highest among the groups gnomAD compares: Non-Finnish European, 0.00026%; no homozygotes.

Submissions (3):

All of Us Research Program, National Institutes of Health
Classification: Uncertain significance for Catecholaminergic polymorphic ventricular tachycardia. Last evaluated: 2024-02-22. Review status: criteria provided, single submitter. Criteria: ACMG Guidelines, 2015. Collection method: clinical testing. Allele origin: germline. Inheritance: Autosomal dominant inheritance. Observed: 1 variant allele, 1 heterozygote.
Comment: Variant of Uncertain Significance due to insufficient evidence: This missense variant is located in the cytoplasmic domain of the RYR2 protein. Computational prediction tools and conservation analyses are inconclusive regarding the impact of this variant on the protein function. Computational splicing tools suggest that this variant may not impact the RNA splicing. To our knowledge, functional assays have not been performed for this variant nor has this variant been reported in individuals affected with cardiovascular disorders in the literature. This variant is rare in the general population and has been identified in 0/277264 chromosomes by the Genome Aggregation Database (gnomAD). Available evidence is insufficient to determine the pathogenicity of this variant conclusively.

This study involves interpretation of variants in research participants for the purpose of population health screening. Participant phenotype was not available at the time of variant classification. Additional details can be found in publication PMID: 35346344, PMCID: PMC8962531

Color Diagnostics, LLC DBA Color Health
Classification: Uncertain significance for Cardiomyopathy. Last evaluated: 2023-12-04. Review status: criteria provided, single submitter. Criteria: ACMG Guidelines, 2015. Collection method: clinical testing. Allele origin: germline.
Comment: Variant of Uncertain Significance due to insufficient evidence: This missense variant is located in the cytoplasmic domain of the RYR2 protein. Computational prediction tools and conservation analyses are inconclusive regarding the impact of this variant on the protein function. Computational splicing tools suggest that this variant may not impact the RNA splicing. To our knowledge, functional assays have not been performed for this variant nor has this variant been reported in individuals affected with cardiovascular disorders in the literature. This variant is rare in the general population and has been identified in 0/277264 chromosomes by the Genome Aggregation Database (gnomAD). Available evidence is insufficient to determine the pathogenicity of this variant conclusively.

Labcorp Genetics (formerly Invitae), Labcorp
Classification: Uncertain significance for Catecholaminergic polymorphic ventricular tachycardia 1. Last evaluated: 2018-01-22. Review status: criteria provided, single submitter. Criteria: Invitae Variant Classification Sherloc (09022015). Collection method: clinical testing. Allele origin: germline.
Comment: Algorithms developed to predict the effect of sequence changes on RNA splicing suggest that this variant may create or strengthen a splice site, but this prediction has not been confirmed by published transcriptional studies. This sequence change replaces lysine with arginine at codon 2976 of the RYR2 protein (p.Lys2976Arg). The lysine residue is highly conserved and there is a small physicochemical difference between lysine and arginine. This variant is not present in population databases (ExAC no frequency). This variant has not been reported in the literature in individuals with RYR2-related disease. Algorithms developed to predict the effect of missense changes on protein structure and function (SIFT, PolyPhen-2, Align-GVGD) all suggest that this variant is likely to be disruptive, but these predictions have not been confirmed by published functional studies and their clinical significance is uncertain. In summary, the available evidence is currently insufficient to determine the role of this variant in disease. Therefore, it has been classified as a Variant of Uncertain Significance.